The following is an entry in ClinVar:

NM_000138.5(FBN1):c.4139G>A (p.Cys1380Tyr)

Gene: FBN1 (fibrillin 1; minus strand). Cytogenetic location: 15q21.1.
Variant type: single nucleotide variant.
Coding change: c.4139G>A on transcript NM_000138.5 (MANE Select); coding-DNA position 4139, G replaced by A.
Protein change: p.Cys1380Tyr; replaces cysteine 1380 with tyrosine.
Molecular consequence: missense variant.
Genome position (GRCh38, 1-based): chr15:48,474,326, C>T on the plus strand (G>A on the coding strand, the complement: FBN1 is on the minus strand). VCF-style: chr15-48474326-C-T. GRCh37 (hg19) VCF-style: chr15-48766523-C-T.
Other names: c.4139G>A, p.Cys1380Tyr (NM_001406716.1); short protein forms C1380Y.
Identifiers: ClinVar variation 2925557 (VCV002925557.3), dbSNP rs1254582017, ClinGen allele CA392320265.

ClinVar aggregate classification (germline): Pathogenic (1 of 4 stars; one submission).

Conditions:
Marfan syndrome (MFS). Also called: MARFAN SYNDROME, TYPE I; Marfan syndrome type 1; Marfan's syndrome; Marfan syndrome, classic; FBN1-Related Marfan Syndrome. Identifiers: Orphanet 284963, Orphanet 558, MedGen C0024796, MONDO:0007947, OMIM 154700.
Familial thoracic aortic aneurysm and aortic dissection (TAAD). Also called: Thoracic aortic aneurysms and dissections. Identifiers: Orphanet 91387, MedGen C4707243, MONDO:0019625.

Submission:

Labcorp Genetics (formerly Invitae), Labcorp
Classification: Pathogenic for Marfan syndrome; Familial thoracic aortic aneurysm and aortic dissection. Last evaluated: 2024-04-29. Review status: criteria provided, single submitter. Criteria: Invitae Variant Classification Sherloc (09022015). Collection method: clinical testing. Allele origin: germline.
Comment: This sequence change replaces cysteine, which is neutral and slightly polar, with tyrosine, which is neutral and polar, at codon 1380 of the FBN1 protein (p.Cys1380Tyr). This variant is not present in population databases (gnomAD no frequency). This missense change has been observed in individuals with ascending aortic dissection and/or clinical features of Marfan syndrome (PMID: 17627385, 33495528; Invitae). Advanced modeling of protein sequence and biophysical properties (such as structural, functional, and spatial information, amino acid conservation, physicochemical variation, residue mobility, and thermodynamic stability) performed at Invitae indicates that this missense variant is expected to disrupt FBN1 protein function with a positive predictive value of 95%. This variant affects a cysteine residue in the EGF-like, TGFBP or hybrid motif domains of FBN1. Cysteine residues are believed to be involved in intramolecular disulfide bridges and have been shown to be important for FBN1 protein structure (PMID: 16905551, 19349279). In addition, missense substitutions affecting cysteine residues within these domains are significantly overrepresented among patients with Marfan syndrome (PMID: 16571647, 17701892). This variant disrupts the p.Cys1380 amino acid residue in FBN1. Other variant(s) that disrupt this residue have been observed in individuals with FBN1-related conditions (PMID: 31830381, 33495528), which suggests that this may be a clinically significant amino acid residue. For these reasons, this variant has been classified as Pathogenic.

Literature cited by the submitters: PubMed 17627385; PubMed 33495528; PubMed 16905551; PubMed 19349279; PubMed 16571647; PubMed 17701892; PubMed 31830381.